The following is an entry in ClinVar:

ClinVar aggregate classification (germline): Uncertain significance (1 of 4 stars; one submission).

gnomAD v4.1: 9 of 1,613,992 alleles (0.00056%); highest among the groups gnomAD compares: Admixed American, 0.01%; no homozygotes.

Submission:

Labcorp Genetics (formerly Invitae), Labcorp
Classification: Uncertain significance. Last evaluated: 2024-08-31. Review status: criteria provided, single submitter. Criteria: Invitae Variant Classification Sherloc (09022015). Collection method: clinical testing. Allele origin: germline.
Comment: This sequence change replaces arginine, which is basic and polar, with cysteine, which is neutral and slightly polar, at codon 174 of the TFRC protein (p.Arg174Cys). This variant is present in population databases (rs746712619, gnomAD 0.003%). This variant has not been reported in the literature in individuals affected with TFRC-related conditions. Invitae Evidence Modeling of protein sequence and biophysical properties (such as structural, functional, and spatial information, amino acid conservation, physicochemical variation, residue mobility, and thermodynamic stability) indicates that this missense variant is not expected to disrupt TFRC protein function with a negative predictive value of 80%. In summary, the available evidence is currently insufficient to determine the role of this variant in disease. Therefore, it has been classified as a Variant of Uncertain Significance.

NM_001128148.3(TFRC):c.520C>T (p.Arg174Cys)

Gene: TFRC (transferrin receptor; minus strand). Cytogenetic location: 3q29.
Variant type: single nucleotide variant.
Coding change: c.520C>T on transcript NM_001128148.3 (MANE Select); coding-DNA position 520, C replaced by T.
Protein change: p.Arg174Cys; replaces arginine 174 with cysteine.
Molecular consequence: missense variant. On other transcripts: 5 prime UTR variant (1).
Genome position (GRCh38, 1-based): chr3:196,072,067, G>A on the plus strand (C>T on the coding strand, the complement: TFRC is on the minus strand). VCF-style: chr3-196072067-G-A. GRCh37 (hg19) VCF-style: chr3-195798938-G-A.
Other names: c.277C>T, p.Arg93Cys (NM_001313965.2); c.-327C>T (NM_001313966.2); c.520C>T, p.Arg174Cys (NM_003234.4); short protein forms R174C, R93C.
Identifiers: ClinVar variation 3611644 (VCV003611644.2).